The following is an entry in ClinVar:

NM_017563.5(IL17RD):c.1697C>T (p.Pro566Leu)

Genes: IL17RD (interleukin 17 receptor D; minus strand), LOC126806689 (BRD4-independent group 4 enhancer GRCh37_chr3:57131244-57132443; plus strand). Cytogenetic location: 3p14.3.
Variant type: single nucleotide variant.
Coding change: c.1697C>T on transcript NM_017563.5 (MANE Select); coding-DNA position 1697, C replaced by T.
Protein change: p.Pro566Leu; replaces proline 566 with leucine.
Molecular consequence: missense variant.
Genome position (GRCh38, 1-based): chr3:57,098,006, G>A on the plus strand (C>T on the coding strand, the complement: IL17RD is on the minus strand). VCF-style: chr3-57098006-G-A. GRCh37 (hg19) VCF-style: chr3-57132034-G-A.
Other names: c.1265C>T, p.Pro422Leu (NM_001318864.2); short protein forms P422L, P566L.
Identifiers: ClinVar variation 787793 (VCV000787793.17), dbSNP rs61742268, ClinGen allele CA2462668.
Genomic context (GRCh38, chr3:57,098,006, plus strand): 5'-AAGCCCGAATCAAATTTCTCCAAGACTGGCTCCCGGTAGCGCAGTGGAGGAGGATGGAAG[G>A]GAACGAACTGCTTTTCGAACCAGTCGGGCTCCTCGTCAATAAACTGGTGCATGTTGCAAA-3'
Protein context (NP_060033.3, residues 556-576): EPDWFEKQFV[Pro566Leu]FHPPPLRYRE

ClinVar aggregate classification (germline): Benign. Review status: criteria provided, multiple submitters, no conflicts (2 of 4 stars). 5 submissions from 5 submitters: Benign (4). 1 of the submissions does not count toward it. Last evaluated 2025-09-15.

Conditions:
IL17RD-related disorder. Also called: IL17RD-related condition.

Allele frequency attached by ClinVar (database versions not stated): gnomAD exomes 0.00065 and 0.00166; ExAC 0.00209; gnomAD 0.00630 and 0.00659; TOPMed 0.00717; ESP Exome Variant Server 0.00792; 1000 Genomes Project 0.00978; 1000 Genomes Project 30x 0.01031.
gnomAD v4.1: 1,994 of 1,614,012 alleles (0.12%); highest among the groups gnomAD compares: African/African-American, 2.3%; 28 homozygotes.

Submissions (5):

Labcorp Genetics (formerly Invitae), Labcorp
Classification: Benign. Last evaluated: 2025-09-15. Review status: criteria provided, single submitter. Criteria: Invitae Variant Classification Sherloc (09022015). Collection method: clinical testing. Allele origin: germline.

GeneDx
Classification: Benign. Last evaluated: 2020-04-01. Review status: criteria provided, single submitter. Criteria: GeneDx Variant Classification Process June 2021. Collection method: clinical testing. Allele origin: germline. Affected: yes.
Comment: This variant is associated with the following publications: (PMID: 31200363, 31628846)

Genetic Services Laboratory, University of Chicago
Classification: Benign. Last evaluated: 2017-08-21. Review status: criteria provided, single submitter. Criteria: ACMG Guidelines, 2015. Collection method: clinical testing. Allele origin: germline. Affected: no.

Breakthrough Genomics
Classification: Benign. Review status: criteria provided, single submitter. Criteria: ACMG Guidelines, 2015. Collection method: not provided. Allele origin: germline. Inheritance: Autosomal dominant inheritance. Affected: yes.

PreventionGenetics, part of Exact Sciences
Classification: Benign for IL17RD-related condition. Last evaluated: 2019-05-13. Review status: no assertion criteria provided. Collection method: clinical testing. Allele origin: germline. Not counted in ClinVar's aggregate classification.
Comment: This variant is classified as benign based on ACMG/AMP sequence variant interpretation guidelines (Richards et al. 2015 PMID: 25741868, with internal and published modifications).